The following is an entry in ClinVar:

ClinVar aggregate classification (germline): Benign/Likely benign. Review status: criteria provided, multiple submitters, no conflicts (2 of 4 stars). 5 submissions from 5 submitters: Benign (3); Likely benign (1). 1 of the submissions does not count toward it. Last evaluated 2026-02-04.

Conditions:
LRRK1-related disorder. Also called: LRRK1-related condition.

Allele frequency attached by ClinVar (database versions not stated): TOPMed 0.00506; 1000 Genomes Project 30x 0.00515; 1000 Genomes Project 0.00559; gnomAD 0.00585 and 0.00591; gnomAD exomes 0.00748 and 0.01134; ExAC 0.01367.
gnomAD v4.1: 9,247 of 1,267,644 alleles (0.73%); highest among the groups gnomAD compares: East Asian, 1.2%; 47 homozygotes.

Submissions (5):

Labcorp Genetics (formerly Invitae), Labcorp
Classification: Benign. Last evaluated: 2026-02-04. Review status: criteria provided, single submitter. Criteria: Invitae Variant Classification Sherloc (09022015). Collection method: clinical testing. Allele origin: germline.

CeGaT Center for Human Genetics Tuebingen
Classification: Benign. Last evaluated: 2025-06-01. Review status: criteria provided, single submitter. Criteria: CeGaT Center For Human Genetics Tuebingen Variant Classification Criteria Version 2. Collection method: clinical testing. Allele origin: germline. Affected: yes. Observed: 1 variant allele.
Comment: LRRK1: BP4, BS1, BS2

Blueprint Genetics
Classification: Likely benign. Last evaluated: 2024-11-25. Review status: criteria provided, single submitter. Criteria: ACMG Guidelines, 2015. Collection method: clinical testing. Allele origin: germline.

Breakthrough Genomics
Classification: Benign. Review status: criteria provided, single submitter. Criteria: ACMG Guidelines, 2015. Collection method: not provided. Allele origin: germline. Inheritance: Autosomal recessive inheritance. Affected: yes.

PreventionGenetics, part of Exact Sciences
Classification: Benign for LRRK1-related condition. Last evaluated: 2019-04-10. Review status: no assertion criteria provided. Collection method: clinical testing. Allele origin: germline. Not counted in ClinVar's aggregate classification.
Comment: This variant is classified as benign based on ACMG/AMP sequence variant interpretation guidelines (Richards et al. 2015 PMID: 25741868, with internal and published modifications).

NM_024652.6(LRRK1):c.202G>A (p.Gly68Ser)

Gene: LRRK1 (leucine rich repeat kinase 1; plus strand). Cytogenetic location: 15q26.3.
Variant type: single nucleotide variant.
Coding change: c.202G>A on transcript NM_024652.6 (MANE Select); coding-DNA position 202, G replaced by A.
Protein change: p.Gly68Ser; replaces glycine 68 with serine.
Molecular consequence: missense variant.
Genome position (GRCh38, 1-based): chr15:100,973,908, G>A. VCF-style: chr15-100973908-G-A. GRCh37 (hg19) VCF-style: chr15-101514113-G-A.
Other names: c.202G>A (NM_024652.5); short protein forms G68S.
Identifiers: ClinVar variation 1601302 (VCV001601302.22), dbSNP rs56289455, ClinGen allele CA7760510.